The following is an entry in ClinVar:

ClinVar aggregate classification (germline): Benign/Likely benign. Review status: criteria provided, multiple submitters, no conflicts (2 of 4 stars). 3 submissions from 3 submitters: Benign (2); Likely benign (1). Last evaluated 2026-02-02.

Conditions:
Vici syndrome (VICIS). Identifiers: Orphanet 1493, MedGen C1855772, MONDO:0009452, OMIM 242840.

Allele frequency attached by ClinVar (database versions not stated): gnomAD exomes 0.00040 and 0.00099; ExAC 0.00128; gnomAD 0.00454 and 0.00488; ESP Exome Variant Server 0.00492; 1000 Genomes Project 0.00499; TOPMed 0.00504; 1000 Genomes Project 30x 0.00593.
gnomAD v4.1: 1,302 of 1,614,212 alleles (0.081%); highest among the groups gnomAD compares: African/African-American, 1.6%; 11 homozygotes.

Submissions (4):

Labcorp Genetics (formerly Invitae), Labcorp
Classification: Benign for Vici syndrome. Last evaluated: 2026-02-02. Review status: criteria provided, single submitter. Criteria: Invitae Variant Classification Sherloc (09022015). Collection method: clinical testing. Allele origin: germline.

GeneDx
Classification: Benign. Last evaluated: 2022-10-03. Review status: criteria provided, single submitter. Criteria: GeneDx Variant Classification Process June 2021. Collection method: clinical testing. Allele origin: germline. Affected: yes.
Comment: See Variant Classification Assertion Criteria.

Breakthrough Genomics
Classification: Likely benign. Review status: criteria provided, single submitter. Criteria: ACMG Guidelines, 2015. Collection method: not provided. Allele origin: germline. Inheritance: Autosomal recessive inheritance. Affected: yes.

Dr. Peter K. Rogan Lab, Western University
No classification provided (evidence only). Condition: Colon adenocarcinoma. Review status: no classification provided. Collection method: in vitro. Allele origin: not applicable. Functional consequence: retained intron. Not counted in ClinVar's aggregate classification.

NM_020964.3(EPG5):c.2911T>G (p.Leu971Val)

Gene: EPG5 (ectopic P-granules 5 autophagy tethering factor; minus strand). Cytogenetic location: 18q21.1.
Variant type: single nucleotide variant.
Coding change: c.2911T>G on transcript NM_020964.3 (MANE Select); coding-DNA position 2911, T replaced by G.
Protein change: p.Leu971Val; replaces leucine 971 with valine.
Molecular consequence: missense variant.
Genome position (GRCh38, 1-based): chr18:45,922,528, A>C on the plus strand (T>G on the coding strand, the complement: EPG5 is on the minus strand). VCF-style: chr18-45922528-A-C. GRCh37 (hg19) VCF-style: chr18-43502494-A-C.
Other names: c.2911T>G, p.Leu971Val (LRG_1234t1); short protein forms L971V.
Identifiers: ClinVar variation 466243 (VCV000466243.17), dbSNP rs148777356, ClinGen allele CA8949304.